The following is an entry in ClinVar:

ClinVar aggregate classification (germline): Uncertain significance (1 of 4 stars; one submission).

Conditions:
Inborn genetic diseases. Identifiers: MedGen C0950123, MeSH D030342.

Submission:

Ambry Genetics
Classification: Uncertain significance for Inborn genetic diseases. Last evaluated: 2025-04-11. Review status: criteria provided, single submitter. Criteria: Ambry Variant Classification Scheme 2023. Collection method: clinical testing. Allele origin: germline.
Comment: The p.C1657W variant (also known as c.4971T>G), located in coding exon 20 of the FANCM gene, results from a T to G substitution at nucleotide position 4971. The cysteine at codon 1657 is replaced by tryptophan, an amino acid with highly dissimilar properties. This amino acid position is conserved. In addition, this alteration is predicted to be tolerated by in silico analysis. Based on the available evidence, the clinical significance of this variant remains unclear.

NM_020937.4(FANCM):c.4971T>G (p.Cys1657Trp)

Gene: FANCM (FA complementation group M; plus strand). Cytogenetic location: 14q21.2.
Variant type: single nucleotide variant.
Coding change: c.4971T>G on transcript NM_020937.4 (MANE Select); coding-DNA position 4971, T replaced by G.
Protein change: p.Cys1657Trp; replaces cysteine 1657 with tryptophan.
Molecular consequence: missense variant.
Genome position (GRCh38, 1-based): chr14:45,188,993, T>G. VCF-style: chr14-45188993-T-G. GRCh37 (hg19) VCF-style: chr14-45658196-T-G.
Other names: c.4893T>G, p.Cys1631Trp (NM_001308133.2); short protein forms C1631W, C1657W.
Identifiers: ClinVar variation 4022676 (VCV004022676.1).